The following is an entry in ClinVar:

NM_000053.4(ATP7B):c.1122C>G (p.Val374=)

Gene: ATP7B (ATPase copper transporting beta; minus strand). Cytogenetic location: 13q14.3.
Variant type: single nucleotide variant.
Coding change: c.1122C>G on transcript NM_000053.4 (MANE Select); coding-DNA position 1122, C replaced by G.
Protein change: p.Val374=; no amino-acid change (valine 374 retained).
Molecular consequence: synonymous variant. On other transcripts: intron variant (1).
Genome position (GRCh38, 1-based): chr13:51,974,098, G>C on the plus strand (C>G on the coding strand, the complement: ATP7B is on the minus strand). VCF-style: chr13-51974098-G-C. GRCh37 (hg19) VCF-style: chr13-52548234-G-C.
Other names: p.Val374=; c.1122C>G, p.Val374= (NM_001005918.3, NM_001330578.2, NM_001330579.2); c.803-14C>G (NM_001243182.2).
Identifiers: ClinVar variation 312395 (VCV000312395.43), dbSNP rs201254466, ClinGen allele CA6989439.
Genomic context (GRCh38, chr13:51,974,098, plus strand): 5'-CAAAGACACCGATATTTGCTGCACCCCTTCCAGTTGGGAGATCATGCCTTCAATGGAATG[G>C]ACACAGGATGCACAGGTCATGCCGGCAATGGCAATCAGAGTGGTACTGCATGTGCCCTGG-3'
Protein context (NP_000044.2, residues 364-384): AIAGMTCASC[Val374=]HSIEGMISQL

ClinVar aggregate classification (germline): Conflicting classifications of pathogenicity. Review status: criteria provided, conflicting classifications (1 of 4 stars). 11 submissions from 11 submitters: Uncertain significance (3); Likely benign (6). 2 of the submissions do not count toward it. Last evaluated 2026-01-26.

Conditions:
ATP7B-related disorder. Also called: ATP7B-related condition.
Inborn genetic diseases. Identifiers: MedGen C0950123, MeSH D030342.
Wilson disease (WND). Also called: Wilson's disease. Identifiers: Orphanet 905, MedGen C0019202, MONDO:0010200, OMIM 277900. Disease mechanism: loss of function.

Allele frequency attached by ClinVar (database versions not stated): gnomAD 0.00002 and 0.00004; gnomAD exomes 0.00006 and 0.00008; ExAC 0.00009; TOPMed 0.00009; 1000 Genomes Project 30x 0.00016; 1000 Genomes Project 0.00020.
gnomAD v4.1: 105 of 1,614,008 alleles (0.0065%); highest among the groups gnomAD compares: East Asian, 0.12%; no homozygotes.

Submissions (12):

Labcorp Genetics (formerly Invitae), Labcorp
Classification: Likely benign for Wilson disease. Last evaluated: 2026-01-26. Review status: criteria provided, single submitter. Criteria: Invitae Variant Classification Sherloc (09022015). Collection method: clinical testing. Allele origin: germline.

GeneDx
Classification: Uncertain significance. Last evaluated: 2025-09-23. Review status: criteria provided, single submitter. Criteria: GeneDx Variant Classification Process June 2021. Collection method: clinical testing. Allele origin: germline. Affected: yes.
Comment: Reported previously in a patient with clinically suspected Wilson disease and liver cirrhosis who also harbored two other ATP7B variants (phase unknown) (PMID: 36343861); RNA studies show that the variant may generate or activate a new splice donor and cause partial deletion of exon 2 (PMID: 36343861); In silico analysis indicates that this variant does not alter splicing; This variant is associated with the following publications: (PMID: 36343861, 39502306, 33719328)

Mayo Clinic Laboratories, Mayo Clinic
Classification: Uncertain significance. Last evaluated: 2025-05-16. Review status: criteria provided, single submitter. Criteria: ACMG Guidelines, 2015. Collection method: clinical testing. Allele origin: germline. Observed: 1 variant allele.
Comment: BP4, BP7

Blueprint Genetics
Classification: Likely benign. Last evaluated: 2024-10-10. Review status: criteria provided, single submitter. Criteria: ACMG Guidelines, 2015. Collection method: clinical testing. Allele origin: germline.

Ambry Genetics
Classification: Likely benign for Inborn genetic diseases. Last evaluated: 2024-03-31. Review status: criteria provided, single submitter. Criteria: Ambry Variant Classification Scheme 2023. Collection method: clinical testing. Allele origin: germline.

All of Us Research Program, National Institutes of Health
Classification: Likely benign for Wilson disease. Last evaluated: 2023-12-18. Review status: criteria provided, single submitter. Criteria: ACMG Guidelines, 2015. Collection method: clinical testing. Allele origin: germline. Inheritance: Autosomal recessive inheritance. Observed: 9 variant alleles, 9 heterozygotes.
Comment: This study involves interpretation of variants in research participants for the purpose of population health screening. Participant phenotype was not available at the time of variant classification. Additional details can be found in publication PMID: 35346344, PMCID: PMC8962531

Color Diagnostics, LLC DBA Color Health
Classification: Likely benign for Wilson disease. Last evaluated: 2022-11-07. Review status: criteria provided, single submitter. Criteria: ACMG Guidelines, 2015. Collection method: clinical testing. Allele origin: germline.

Genome-Nilou Lab
Classification: Likely benign for Wilson disease. Last evaluated: 2021-08-10. Review status: criteria provided, single submitter. Criteria: ACMG Guidelines, 2015. Collection method: clinical testing. Allele origin: germline. Affected: no.

Illumina Laboratory Services, Illumina
Classification: Uncertain significance for Wilson disease. Last evaluated: 2018-01-12. Review status: criteria provided, single submitter. Criteria: ICSL Variant Classification Criteria 13 December 2019. Collection method: clinical testing. Allele origin: germline.

Natera, Inc.
Classification: Likely benign for Wilson disease. Last evaluated: 2020-02-25. Review status: no assertion criteria provided. Collection method: clinical testing. Allele origin: germline. Not counted in ClinVar's aggregate classification.

PreventionGenetics, part of Exact Sciences
Classification: Likely benign for ATP7B-related condition. Last evaluated: 2019-12-16. Review status: no assertion criteria provided. Collection method: clinical testing. Allele origin: germline. Not counted in ClinVar's aggregate classification.
Comment: This variant is classified as likely benign based on ACMG/AMP sequence variant interpretation guidelines (Richards et al. 2015 PMID: 25741868, with internal and published modifications).

Dr. Peter K. Rogan Lab, Western University
No classification provided (evidence only). Condition: Hepatocellular carcinoma. Review status: no classification provided. Collection method: in vitro. Allele origin: not applicable. Functional consequence: retained intron. Not counted in ClinVar's aggregate classification.

Literature cited by the submitters: PubMed 36343861 (cited by Mayo Clinic Laboratories, Mayo Clinic); PubMed 39502306 (cited by Mayo Clinic Laboratories, Mayo Clinic).